The following is an entry in ClinVar:

ClinVar aggregate classification (germline): Pathogenic/Likely pathogenic. Review status: criteria provided, multiple submitters, no conflicts (2 of 4 stars). 3 submissions from 3 submitters: Pathogenic (1); Likely pathogenic (1). 1 of the submissions does not count toward it. Last evaluated 2025-01-08.

Conditions:
Hereditary cancer-predisposing syndrome. Also called: Tumor predisposition; Hereditary neoplastic syndrome; Neoplastic Syndromes, Hereditary; Hereditary Cancer Syndrome. Identifiers: Orphanet 140162, MedGen C0027672, MeSH D009386, MONDO:0015356.
Von Hippel-Lindau syndrome (VHLS). Also called: Von Hippel-Lindau; von Hippel–Lindau syndrome; VHL syndrome. Identifiers: Orphanet 892, MedGen C0019562, MONDO:0008667, OMIM 193300. Disease mechanism: loss of function.
Chuvash polycythemia. Also called: POLYCYTHEMIA, VHL-DEPENDENT. Identifiers: Orphanet 238557, MedGen C1837915, MONDO:0009892, OMIM 263400.

Submissions (5):

Ambry Genetics
Classification: Likely pathogenic for Hereditary cancer-predisposing syndrome. Last evaluated: 2025-01-08. Review status: criteria provided, single submitter. Criteria: Ambry Variant Classification Scheme 2023. Collection method: clinical testing. Allele origin: germline.
Comment: The c.464-1G>T intronic variant results from a G to T substitution one nucleotide upstream from coding exon 3 of the VHL gene. This variant was reported in individuals with features consistent with von Hippel-Lindau syndrome (Ambry internal data; Crossey PA et al. Hum Mol Genet 1994 Aug;3(8):1303-8; Lee JS. et al. BMC Med Genet 2016 Jul;17(1):48; Kong W et al. Front Oncol 2021 Dec;11:737547). In addition, another alteration at this nucleotide position (c.464-1G>A) have also been reported in VHL families and is considered pathogenic (Ambry internal data, Glavac D et al. Hum Genet, 1996 Sep;98:271-80). This nucleotide position is highly conserved in available vertebrate species. In silico splice site analysis predicts that this alteration will weaken the native splice acceptor site and will result in the creation or strengthening of a novel splice acceptor site; however, direct evidence is insufficient at this time (Ambry internal data). Alterations that disrupt the canonical splice site are expected to cause aberrant splicing, resulting in an abnormal protein or a transcript that is subject to nonsense-mediated mRNA decay. As such, this alteration is classified as likely pathogenic.

Labcorp Genetics (formerly Invitae), Labcorp
Classification: Pathogenic for Von Hippel-Lindau syndrome; Chuvash polycythemia. Last evaluated: 2023-06-24. Review status: criteria provided, single submitter. Criteria: Invitae Variant Classification Sherloc (09022015). Collection method: clinical testing. Allele origin: germline.
Comment: For these reasons, this variant has been classified as Pathogenic. Variants that disrupt the consensus splice site are a relatively common cause of aberrant splicing (PMID: 17576681, 9536098). Algorithms developed to predict the effect of sequence changes on RNA splicing suggest that this variant may disrupt the consensus splice site. ClinVar contains an entry for this variant (Variation ID: 223221). This variant is also known as c.677-1G>T. Disruption of this splice site has been observed in individuals with von Hippel-Lindau syndrome (PMID: 7987306, 8641976, 8707293, 17024664, 27439424, 33004005). It has also been observed to segregate with disease in related individuals. This variant is not present in population databases (gnomAD no frequency). This sequence change affects an acceptor splice site in intron 2 of the VHL gene. While this variant is not anticipated to result in nonsense mediated decay, it likely alters RNA splicing and results in a disrupted protein product.

Genomic Diagnostic Laboratory, Division of Genomic Diagnostics, Children's Hospital of Philadelphia
Classification: Pathogenic for Von Hippel-Lindau syndrome. Last evaluated: 2016-02-26. Review status: no assertion criteria provided. Collection method: clinical testing. Allele origin: germline. Affected: yes. Observed: 2 variant alleles. Not counted in ClinVar's aggregate classification.

Dr. Peter K. Rogan Lab, Western University
No classification provided (evidence only). Condition: Clear cell carcinoma of kidney. Review status: no classification provided. Collection method: in vitro. Allele origin: not applicable. Functional consequence: retained intron. Not counted in ClinVar's aggregate classification.

MutSpliceDB: a database of splice sites variants effects on splicing, NIH
No classification provided (evidence only). Review status: no classification provided. Collection method: in vivo. Allele origin: not applicable. Functional consequence: retained intron. Not counted in ClinVar's aggregate classification.

Literature cited by the submitters: PubMed 17576681 (cited by Labcorp Genetics (formerly Invitae), Labcorp); PubMed 9536098 (cited by Labcorp Genetics (formerly Invitae), Labcorp); PubMed 7987306 (cited by Labcorp Genetics (formerly Invitae), Labcorp); PubMed 8641976 (cited by Labcorp Genetics (formerly Invitae), Labcorp); PubMed 8707293 (cited by Labcorp Genetics (formerly Invitae), Labcorp); PubMed 17024664 (cited by Labcorp Genetics (formerly Invitae), Labcorp); PubMed 27439424 (cited by Labcorp Genetics (formerly Invitae), Labcorp); PubMed 33004005 (cited by Labcorp Genetics (formerly Invitae), Labcorp).

NM_000551.4(VHL):c.464-1G>T

Genes: VHL (von Hippel-Lindau tumor suppressor; plus strand), LOC107303340 (3p25 von Hippel-Lindau tumor suppressor, E3 ubiquitin protein ligase Alu-mediated recombination region; plus strand). Cytogenetic location: 3p25.3.
Variant type: single nucleotide variant.
Coding change: c.464-1G>T on transcript NM_000551.4 (MANE Select); the canonical splice acceptor site of the intron before coding-DNA position 464, G replaced by T.
Molecular consequence: splice acceptor variant.
Genome position (GRCh38, 1-based): chr3:10,149,786, G>T. VCF-style: chr3-10149786-G-T. GRCh37 (hg19) VCF-style: chr3-10191470-G-T.
Other names: NM_000551.4:c.464-1G>T; c.*18-1G>T (NM_001354723.2); c.341-1G>T (NM_198156.3).
Identifiers: ClinVar variation 223221 (VCV000223221.12), dbSNP rs5030817, ClinGen allele CA357144.